The following is an entry in ClinVar:

ClinVar aggregate classification (germline): Uncertain significance (1 of 4 stars; one submission).

Conditions:
Inborn genetic diseases. Identifiers: MedGen C0950123, MeSH D030342.

Submission:

Ambry Genetics
Classification: Uncertain significance for Inborn genetic diseases. Last evaluated: 2023-01-12. Review status: criteria provided, single submitter. Criteria: Ambry Variant Classification Scheme 2023. Collection method: clinical testing. Allele origin: germline.
Comment: The p.P409S variant (also known as c.1225C>T), located in coding exon 10 of the ACD gene, results from a C to T substitution at nucleotide position 1225. The proline at codon 409 is replaced by serine, an amino acid with similar properties. This amino acid position is conserved. In addition, this alteration is predicted to be tolerated by in silico analysis. Since supporting evidence is limited at this time, the clinical significance of this alteration remains unclear.

NM_001082486.2(ACD):c.967C>T (p.Pro323Ser)

Gene: ACD (ACD shelterin complex subunit and telomerase recruitment factor; minus strand). Cytogenetic location: 16q22.1.
Variant type: single nucleotide variant.
Coding change: c.967C>T on transcript NM_001082486.2 (MANE Select); coding-DNA position 967, C replaced by T.
Protein change: p.Pro323Ser; replaces proline 323 with serine.
Molecular consequence: missense variant.
Genome position (GRCh38, 1-based): chr16:67,658,225, G>A on the plus strand (C>T on the coding strand, the complement: ACD is on the minus strand). VCF-style: chr16-67658225-G-A. GRCh37 (hg19) VCF-style: chr16-67692128-G-A.
Other names: c.880C>T, p.Pro294Ser (NM_001410884.1); c.958C>T, p.Pro320Ser (NM_022914.3); short protein forms P320S, P323S, P294S.
Identifiers: ClinVar variation 2447159 (VCV002447159.2), dbSNP rs2543599236, ClinGen allele CA396352633.